The following is an entry in ClinVar:

ClinVar aggregate classification (germline): Uncertain significance (1 of 4 stars; one submission).

Conditions:
Spastic paraplegia. Identifiers: MedGen C0037772, HP:0001258.

Allele frequency attached by ClinVar (database versions not stated): gnomAD exomes below 0.00001.
gnomAD v4.1: 1 of 1,613,930 alleles (0.000062%); highest among the groups gnomAD compares: Non-Finnish European, 0.000085%; no homozygotes.

Submission:

Labcorp Genetics (formerly Invitae), Labcorp
Classification: Uncertain significance for Spastic paraplegia. Last evaluated: 2022-04-15. Review status: criteria provided, single submitter. Criteria: Invitae Variant Classification Sherloc (09022015). Collection method: clinical testing. Allele origin: germline.
Comment: This sequence change replaces histidine, which is basic and polar, with aspartic acid, which is acidic and polar, at codon 2859 of the SACS protein (p.His2859Asp). This variant is not present in population databases (gnomAD no frequency). This variant has not been reported in the literature in individuals affected with SACS-related conditions. Advanced modeling of protein sequence and biophysical properties (such as structural, functional, and spatial information, amino acid conservation, physicochemical variation, residue mobility, and thermodynamic stability) performed at Invitae indicates that this missense variant is not expected to disrupt SACS protein function. In summary, the available evidence is currently insufficient to determine the role of this variant in disease. Therefore, it has been classified as a Variant of Uncertain Significance.

NM_014363.6(SACS):c.8575C>G (p.His2859Asp)

Gene: SACS (sacsin molecular chaperone; minus strand). Cytogenetic location: 13q12.12.
Variant type: single nucleotide variant.
Coding change: c.8575C>G on transcript NM_014363.6 (MANE Select); coding-DNA position 8575, C replaced by G.
Protein change: p.His2859Asp; replaces histidine 2859 with aspartic acid.
Molecular consequence: missense variant.
Genome position (GRCh38, 1-based): chr13:23,335,301, G>C on the plus strand (C>G on the coding strand, the complement: SACS is on the minus strand). VCF-style: chr13-23335301-G-C. GRCh37 (hg19) VCF-style: chr13-23909440-G-C.
Other names: c.8134C>G, p.His2712Asp (NM_001278055.2); short protein forms H2859D, H2712D.
Identifiers: ClinVar variation 2055643 (VCV002055643.1), dbSNP rs2542215098, ClinGen allele CA387516334.